The following is an entry in ClinVar:

NM_000551.4(VHL):c.*2716G>A

Genes: VHL (von Hippel-Lindau tumor suppressor; plus strand), LOC107303340 (3p25 von Hippel-Lindau tumor suppressor, E3 ubiquitin protein ligase Alu-mediated recombination region; plus strand). Cytogenetic location: 3p25.3.
Variant type: single nucleotide variant.
Coding change: c.*2716G>A on transcript NM_000551.4 (MANE Select); 2716 bases downstream of the stop codon, G replaced by A.
Molecular consequence: 3 prime UTR variant.
Genome position (GRCh38, 1-based): chr3:10,152,681, G>A. VCF-style: chr3-10152681-G-A. GRCh37 (hg19) VCF-style: chr3-10194365-G-A.
Other names: c.*2912G>A (NM_001354723.2); c.*2716G>A (NM_198156.3).
Identifiers: ClinVar variation 342484 (VCV000342484.5), dbSNP rs538719970, ClinGen allele CA10616706.

ClinVar aggregate classification (germline): Benign (1 of 4 stars; one submission).

Conditions:
Von Hippel-Lindau syndrome (VHLS). Also called: Von Hippel-Lindau; von Hippel–Lindau syndrome; VHL syndrome. Identifiers: Orphanet 892, MedGen C0019562, MONDO:0008667, OMIM 193300. Disease mechanism: loss of function.

Allele frequency attached by ClinVar (database versions not stated): gnomAD 0.00018 and 0.00019; 1000 Genomes Project 30x 0.00031; 1000 Genomes Project 0.00040.
gnomAD v4.1: 28 of 150,978 alleles (0.019%); highest among the groups gnomAD compares: Middle Eastern, 0.69%; no homozygotes.

Submission:

Illumina Laboratory Services, Illumina
Classification: Benign for Von Hippel-Lindau syndrome. Last evaluated: 2018-01-13. Review status: criteria provided, single submitter. Criteria: ICSL Variant Classification Criteria 13 December 2019. Collection method: clinical testing. Allele origin: germline.
Comment: This variant was observed in the ICSL laboratory as part of a predisposition screen in an ostensibly healthy population. It had not been previously curated by ICSL or reported in the Human Gene Mutation Database (HGMD: prior to June 1st, 2018), and was therefore a candidate for classification through an automated scoring system. Utilizing variant allele frequency, disease prevalence and penetrance estimates, and inheritance mode, an automated score was calculated to assess if this variant is too frequent to cause the disease. Based on the score and internal cut-off values, a variant classified as benign is not then subjected to further curation. The score for this variant resulted in a classification of benign for this disease.